The following is an entry in ClinVar:

NM_080473.5(GATA5):c.291C>G (p.His97Gln)

Gene: GATA5 (GATA binding protein 5; minus strand). Cytogenetic location: 20q13.33.
Variant type: single nucleotide variant.
Coding change: c.291C>G on transcript NM_080473.5 (MANE Select); coding-DNA position 291, C replaced by G.
Protein change: p.His97Gln; replaces histidine 97 with glutamine.
Molecular consequence: missense variant.
Genome position (GRCh38, 1-based): chr20:62,475,231, G>C on the plus strand (C>G on the coding strand, the complement: GATA5 is on the minus strand). VCF-style: chr20-62475231-G-C. GRCh37 (hg19) VCF-style: chr20-61050287-G-C.
Other names: short protein forms H97Q.
Identifiers: ClinVar variation 2866877 (VCV002866877.3), dbSNP rs890593605, ClinGen allele CA409556930.

ClinVar aggregate classification (germline): Uncertain significance (1 of 4 stars; one submission).

Submission:

Labcorp Genetics (formerly Invitae), Labcorp
Classification: Uncertain significance. Last evaluated: 2023-05-22. Review status: criteria provided, single submitter. Criteria: Invitae Variant Classification Sherloc (09022015). Collection method: clinical testing. Allele origin: germline.
Comment: This sequence change replaces histidine, which is basic and polar, with glutamine, which is neutral and polar, at codon 97 of the GATA5 protein (p.His97Gln). This variant is not present in population databases (gnomAD no frequency). This variant has not been reported in the literature in individuals affected with GATA5-related conditions. Advanced modeling of protein sequence and biophysical properties (such as structural, functional, and spatial information, amino acid conservation, physicochemical variation, residue mobility, and thermodynamic stability) performed at Invitae indicates that this missense variant is not expected to disrupt GATA5 protein function. In summary, the available evidence is currently insufficient to determine the role of this variant in disease. Therefore, it has been classified as a Variant of Uncertain Significance.